The following is an entry in ClinVar:

NM_001352514.2(HLCS):c.1093G>T (p.Val365Phe)

Gene: HLCS (holocarboxylase synthetase; minus strand). Cytogenetic location: 21q22.13.
Variant type: single nucleotide variant.
Coding change: c.1093G>T on transcript NM_001352514.2 (MANE Select); coding-DNA position 1093, G replaced by T.
Protein change: p.Val365Phe; replaces valine 365 with phenylalanine.
Molecular consequence: missense variant. On other transcripts: non-coding transcript variant (2).
Genome position (GRCh38, 1-based): chr21:36,936,793, C>A on the plus strand (G>T on the coding strand, the complement: HLCS is on the minus strand). VCF-style: chr21-36936793-C-A. GRCh37 (hg19) VCF-style: chr21-38309093-C-A.
Other names: c.652G>T, p.Val218Phe (NM_000411.8, NM_001242784.3, NM_001242785.2 and 4 more transcripts); short protein forms V218F, V365F.
Identifiers: ClinVar variation 570638 (VCV000570638.15), dbSNP rs1569216588, ClinGen allele CA409912589.
Genomic context (GRCh38, chr21:36,936,793, plus strand): 5'-AAAGATAGGCCATGAACTTCTGGTACAGGTCTTCGGGAATGGACTCCCTGGTAGCAATGA[C>A]CAACAGCAGACAGTTGTCCGTCCACGGGTCTCTGAGAGCACTGTCCTCCAGCAGGTGGTA-3'
Protein context (NP_001339443.1, residues 355-375): DPWTDNCLLL[Val365Phe]IATRESIPED

ClinVar aggregate classification (germline): Conflicting classifications of pathogenicity. Review status: criteria provided, conflicting classifications (1 of 4 stars). 4 submissions from 4 submitters: Pathogenic (1); Likely pathogenic (2); Uncertain significance (1). Last evaluated 2026-06-03.

Conditions:
Holocarboxylase synthetase deficiency. Also called: MULTIPLE CARBOXYLASE DEFICIENCY, EARLY ONSET. Identifiers: Orphanet 79242, MedGen C0268581, MONDO:0009666, OMIM 253270.

Submissions (4):

Stanford Starfish Project, Stanford University
Classification: Pathogenic for Holocarboxylase synthetase deficiency. Last evaluated: 2026-06-03. Review status: criteria provided, single submitter. Criteria: ACMG Guidelines, 2015. Collection method: provider interpretation. Allele origin: biparental. Inheritance: Autosomal recessive inheritance. Affected: yes. Observed: 1 variant allele, 1 homozygote.
Comment: This variant is predicted to result in the substitution of valine by phenylalanine at amino acid 218 (p.Val218Phe). This variant is not present in large population databases. In silico analysis supports that this missense variant has a deleterious effect on the protein. See Observation 1 for details on clinical features. (Variant also known as c.1093G>T, p.Val365Phe)

Labcorp Genetics (formerly Invitae), Labcorp
Classification: Likely pathogenic for Holocarboxylase synthetase deficiency. Last evaluated: 2025-09-02. Review status: criteria provided, single submitter. Criteria: Invitae Variant Classification Sherloc (09022015). Collection method: clinical testing. Allele origin: germline.
Comment: This sequence change replaces valine, which is neutral and non-polar, with phenylalanine, which is neutral and non-polar, at codon 218 of the HLCS protein (p.Val218Phe). This variant is not present in population databases (gnomAD no frequency). This missense change has been observed in individuals with holocarboxylase synthetase deficiency (PMID: 38146699; internal data). This variant is also known as c.1093G>T (p.Val365Phe). ClinVar contains an entry for this variant (Variation ID: 570638). Invitae Evidence Modeling of protein sequence and biophysical properties (such as structural, functional, and spatial information, amino acid conservation, physicochemical variation, residue mobility, and thermodynamic stability) indicates that this missense variant is expected to disrupt HLCS protein function with a positive predictive value of 95%. In summary, the currently available evidence indicates that the variant is pathogenic, but additional data are needed to prove that conclusively. Therefore, this variant has been classified as Likely Pathogenic.

GeneDx
Classification: Likely pathogenic. Last evaluated: 2025-04-22. Review status: criteria provided, single submitter. Criteria: GeneDx Variant Classification Process June 2021. Collection method: clinical testing. Allele origin: germline. Affected: yes.
Comment: Not observed at significant frequency in large population cohorts (gnomAD); In silico analysis supports that this missense variant has a deleterious effect on protein structure/function; This variant is associated with the following publications: (PMID: 38146699, 38788890)

Greenwood Genetic Center Diagnostic Laboratories, Greenwood Genetic Center
Classification: Uncertain significance. Last evaluated: 2020-12-12. Review status: criteria provided, single submitter. Criteria: ACMG Guidelines, 2015. Collection method: clinical testing. Allele origin: germline. Affected: yes.
Comment: PM2, PP3, PS4_Supporting

Literature cited by the submitters: PubMed 38146699 (cited by Labcorp Genetics (formerly Invitae), Labcorp).